The following is an entry in ClinVar:

ClinVar aggregate classification (germline): Benign/Likely benign. Review status: criteria provided, multiple submitters, no conflicts (2 of 4 stars). 3 submissions from 3 submitters: Benign (1); Likely benign (2). Last evaluated 2026-05-21.

Conditions:
Neurofibromatosis, type 1 (NF1). Also called: NEUROFIBROMATOSIS, TYPE I, SOMATIC; Neurofibromatosis, type I; VON RECKLINGHAUSEN DISEASE; Peripheral type neurofibromatosis. Identifiers: Orphanet 636, MedGen C0027831, MONDO:0018975, OMIM 162200. Disease mechanism: loss of function.
Cardiovascular phenotype. Identifiers: MedGen CN230736.
Hereditary cancer-predisposing syndrome. Also called: Hereditary neoplastic syndrome; Neoplastic Syndromes, Hereditary; Hereditary Cancer Syndrome; Tumor predisposition. Identifiers: Orphanet 140162, MedGen C0027672, MeSH D009386, MONDO:0015356.

Allele frequency attached by ClinVar (database versions not stated): gnomAD exomes below 0.00001.
gnomAD v4.1: 2 of 1,613,606 alleles (0.00012%); highest among the groups gnomAD compares: Admixed American, 0.0017%; no homozygotes.

Submissions (3):

Myriad Genetics, Inc.
Classification: Benign for Neurofibromatosis, type 1. Last evaluated: 2026-05-21. Review status: criteria provided, single submitter. Criteria: Myriad Autosomal Dominant, Autosomal Recessive and X-Linked Classification Criteria (2023). Collection method: clinical testing. Allele origin: unknown.
Comment: This variant is considered benign. This variant is a silent/synonymous amino acid change and it is not expected to impact splicing.

Labcorp Genetics (formerly Invitae), Labcorp
Classification: Likely benign for Neurofibromatosis, type 1. Last evaluated: 2025-11-24. Review status: criteria provided, single submitter. Criteria: Invitae Variant Classification Sherloc (09022015). Collection method: clinical testing. Allele origin: germline.

Ambry Genetics
Classification: Likely benign for Cardiovascular phenotype; Hereditary cancer-predisposing syndrome. Last evaluated: 2017-03-10. Review status: criteria provided, single submitter. Criteria: Ambry Variant Classification Scheme 2023. Collection method: clinical testing. Allele origin: germline.

NM_001042492.3(NF1):c.6786G>A (p.Gly2262=)

Gene: NF1 (neurofibromin 1; plus strand). Cytogenetic location: 17q11.2.
Variant type: single nucleotide variant.
Coding change: c.6786G>A on transcript NM_001042492.3 (MANE Select); coding-DNA position 6786, G replaced by A.
Protein change: p.Gly2262=; no amino-acid change (glycine 2262 retained).
Molecular consequence: synonymous variant.
Genome position (GRCh38, 1-based): chr17:31,338,106, G>A. VCF-style: chr17-31338106-G-A. GRCh37 (hg19) VCF-style: chr17-29665124-G-A.
Other names: c.6723G>A, p.Gly2241= (NM_000267.4).
Identifiers: ClinVar variation 237589 (VCV000237589.14), dbSNP rs878853911, ClinGen allele CA10583520.